The following is an entry in ClinVar:

NM_138927.4(SON):c.3161C>T (p.Ala1054Val)

Gene: SON (SON DNA and RNA binding protein; plus strand). Cytogenetic location: 21q22.11.
Variant type: single nucleotide variant.
Coding change: c.3161C>T on transcript NM_138927.4 (MANE Select); coding-DNA position 3161, C replaced by T.
Protein change: p.Ala1054Val; replaces alanine 1054 with valine.
Molecular consequence: missense variant. On other transcripts: non-coding transcript variant (1), intron variant (1).
Genome position (GRCh38, 1-based): chr21:33,552,392, C>T. VCF-style: chr21-33552392-C-T. GRCh37 (hg19) VCF-style: chr21-34924698-C-T.
Other names: c.3161C>T, p.Ala1054Val (NM_001291411.2, NM_001412133.1, NM_032195.3 and 2 more transcripts); c.245-4764C>T (NM_001291412.3); short protein forms A1054V.
Identifiers: ClinVar variation 1718863 (VCV001718863.5), dbSNP rs2517368969, ClinGen allele CA410159602.

ClinVar aggregate classification (germline): Uncertain significance (1 of 4 stars; one submission).

Submission:

Labcorp Genetics (formerly Invitae), Labcorp
Classification: Uncertain significance. Last evaluated: 2022-11-01. Review status: criteria provided, single submitter. Criteria: Invitae Variant Classification Sherloc (09022015). Collection method: clinical testing. Allele origin: germline.
Comment: In summary, the available evidence is currently insufficient to determine the role of this variant in disease. Therefore, it has been classified as a Variant of Uncertain Significance. Algorithms developed to predict the effect of missense changes on protein structure and function are either unavailable or do not agree on the potential impact of this missense change (SIFT: "Deleterious"; PolyPhen-2: "Probably Damaging"; Align-GVGD: "Class C0"). This variant has not been reported in the literature in individuals affected with SON-related conditions. This variant is not present in population databases (gnomAD no frequency). This sequence change replaces alanine, which is neutral and non-polar, with valine, which is neutral and non-polar, at codon 1054 of the SON protein (p.Ala1054Val).